The following is an entry in ClinVar:

NM_199420.4(POLQ):c.4150G>A (p.Ala1384Thr)

Gene: POLQ (DNA polymerase theta; minus strand). Cytogenetic location: 3q13.33.
Variant type: single nucleotide variant.
Coding change: c.4150G>A on transcript NM_199420.4 (MANE Select); coding-DNA position 4150, G replaced by A.
Protein change: p.Ala1384Thr; replaces alanine 1384 with threonine.
Molecular consequence: missense variant.
Genome position (GRCh38, 1-based): chr3:121,488,781, C>T on the plus strand (G>A on the coding strand, the complement: POLQ is on the minus strand). VCF-style: chr3-121488781-C-T. GRCh37 (hg19) VCF-style: chr3-121207628-C-T.
Other names: short protein forms A1384T.
Identifiers: ClinVar variation 2624467 (VCV002624467.2), dbSNP rs1202264737, ClinGen allele CA354095981.

ClinVar aggregate classification (germline): Uncertain significance (1 of 4 stars; one submission).

Submission:

Ambry Genetics
Classification: Uncertain significance. Last evaluated: 2023-06-22. Review status: criteria provided, single submitter. Criteria: Ambry Variant Classification Scheme 2023. Collection method: clinical testing. Allele origin: germline.
Comment: The p.A1384T variant (also known as c.4150G>A), located in coding exon 16 of the POLQ gene, results from a G to A substitution at nucleotide position 4150. The alanine at codon 1384 is replaced by threonine, an amino acid with similar properties. This amino acid position is conserved. In addition, this alteration is predicted to be tolerated by in silico analysis. Since supporting evidence is limited at this time, the clinical significance of this alteration remains unclear.